The following is an entry in ClinVar:

ClinVar aggregate classification (germline): Pathogenic (1 of 4 stars; one submission).

Submission:

ISCA site 17
Classification: Pathogenic. Last evaluated: 2011-08-12. Review status: criteria provided, single submitter. Criteria: Kaminsky et al. (Genet Med. 2011). Collection method: clinical testing. Allele origin: unknown. Affected: yes. Observed: 1 variant allele.
Comment: Copy number variation identified through the course of routine clinical cytogenomic testing in postnatal populations. Clinical assertions have been curated as described in Kaminsky et al. 2011.

GRCh38/hg38 6q24.2-25.2(chr6:144932561-152985364)x1

Genes: ADGB (androglobin; plus strand), ADGB-DT (ADGB divergent transcript; minus strand), AKAP12 (A-kinase anchoring protein 12; plus strand), CCDC170 (coiled-coil domain containing 170; plus strand), DCPH1 (damage control phosphatase 1; plus strand) and 227 more. Cytogenetic location: 6q24.2-25.2.
Variant type: copy number loss.
Change: copy number 1 (one copy instead of two) of chr6:144,932,561-152,985,364 (8.05 Mb, GRCh38 coordinates, 1-based), cytogenetic band 6q24.2-25.2.
Identifiers: ClinVar variation 58452 (VCV000058452.1).